The following is an entry in ClinVar:

NM_001393939.1(ANKRD36B):c.2757C>T (p.Leu919=)

Gene: ANKRD36B (ankyrin repeat domain 36B; minus strand). Cytogenetic location: 2q11.2.
Variant type: single nucleotide variant.
Coding change: c.2757C>T on transcript NM_001393939.1 (MANE Select); coding-DNA position 2757, C replaced by T.
Protein change: p.Leu919=; no amino-acid change (leucine 919 retained).
Molecular consequence: synonymous variant.
Genome position (GRCh38, 1-based): chr2:97,513,228, G>A on the plus strand (C>T on the coding strand, the complement: ANKRD36B is on the minus strand). VCF-style: chr2-97513228-G-A. GRCh37 (hg19) VCF-style: chr2-98129691-G-A.
Other names: c.2757C>T, p.Leu919= (NM_025190.4).
Identifiers: ClinVar variation 4533573 (VCV004533573.6).

ClinVar aggregate classification (germline): Likely benign (1 of 4 stars; one submission).

gnomAD v4.1: 2 of 1,517,500 alleles (0.00013%); highest among the groups gnomAD compares: South Asian, 0.0024%; no homozygotes.

Submission:

CeGaT Center for Human Genetics Tuebingen
Classification: Likely benign. Last evaluated: 2026-06-01. Review status: criteria provided, single submitter. Criteria: CeGaT Center For Human Genetics Tuebingen Variant Classification Criteria Version 2. Collection method: clinical testing. Allele origin: germline. Affected: yes. Observed: 5 variant alleles.
Comment: ANKRD36B: BP4, BP7